The following is an entry in ClinVar:

ClinVar aggregate classification (germline): Likely pathogenic (1 of 4 stars; one submission).

Submission:

Broad Center for Mendelian Genomics, Broad Institute of MIT and Harvard
Classification: Likely pathogenic. Last evaluated: 2019-02-07. Review status: criteria provided, single submitter. Criteria: ACMG Guidelines, 2015. Collection method: research. Allele origin: de novo. Inheritance: Autosomal dominant inheritance. Affected: yes.
Comment: Trio exome analysis showed this variant to be de novo. The p.Pro1467Thrfs*75 variant in KMT2E has not been previously reported in individuals with developmental delays or intellectual disability and was absent from large population studies. This variant is predicted to cause a frameshift, which alters the proteinâ€™s amino acid sequence beginning at position 1467 and leads to a premature termination codon 75 amino acids downstream. This alteration is then predicted to lead to a truncated or absent protein. This alteration is then predicted to lead to a truncated or absent protein. It is of note, that loss of function of the KMT2E gene in autosomal dominant disease has not yet been established based on the criteria laid out in Tayoun, 2018 (PMID: 30192042). In summary, although additional studies are required to fully establish its clinical significance, this variant is likely pathogenic.

NM_182931.3(KMT2E):c.4397_4398insCACAGCATGGTTATCTTTC (p.Pro1467fs)

Gene: KMT2E (lysine methyltransferase 2E (inactive); plus strand). Cytogenetic location: 7q22.3.
Variant type: Insertion.
Coding change: c.4397_4398insCACAGCATGGTTATCTTTC on transcript NM_182931.3 (MANE Select); coding-DNA positions 4397 to 4398, CACAGCATGGTTATCTTTC inserted.
Protein change: p.Pro1467fs; shifts the reading frame from proline 1467.
Molecular consequence: frameshift variant.
Genome position: GRCh38 VCF-style: chr7-105112135-T-TACAGCATGGTTATCTTTCC. GRCh37 (hg19) VCF-style: chr7-104752582-T-TACAGCATGGTTATCTTTCC.
Other names: c.4397_4398insCACAGCATGGTTATCTTTC, p.Pro1467fs (NM_018682.4); short protein forms P1467fs.
Identifiers: ClinVar variation 805911 (VCV000805911.2), dbSNP rs1584817521, ClinGen allele CA913184818.